The following is an entry in ClinVar:

NM_017780.4(CHD7):c.3202-3T>G

Gene: CHD7 (chromodomain helicase DNA binding protein 7; plus strand). Cytogenetic location: 8q12.2.
Variant type: single nucleotide variant.
Coding change: c.3202-3T>G on transcript NM_017780.4 (MANE Select); 3 bases into the intron before coding-DNA position 3202, T replaced by G.
Molecular consequence: intron variant.
Genome position (GRCh38, 1-based): chr8:60,823,837, T>G. VCF-style: chr8-60823837-T-G. GRCh37 (hg19) VCF-style: chr8-61736396-T-G.
Other names: c.1717-38392T>G (NM_001316690.1).
Identifiers: ClinVar variation 411184 (VCV000411184.9), dbSNP rs1060503183, ClinGen allele CA16612342.

ClinVar aggregate classification (germline): Pathogenic/Likely pathogenic. Review status: criteria provided, multiple submitters, no conflicts (2 of 4 stars). 2 submissions from 2 submitters: Pathogenic (1); Likely pathogenic (1). Last evaluated 2024-06-19.

Conditions:
CHARGE syndrome (CHARGE). Also called: CHARGE ASSOCIATION--COLOBOMA, HEART ANOMALY, CHOANAL ATRESIA, RETARDATION, GENITAL AND EAR ANOMALIES; Coloboma, heart anomaly, choanal atresia, retardation, genital and ear anomalies; CHARGE association; Hall-Hittner syndrome; Hittner Hirsch Kreh syndrome. Identifiers: Orphanet 138, MedGen C0265354, MONDO:0008965.

Submissions (2):

Women's Health and Genetics/Laboratory Corporation of America, LabCorp
Classification: Likely pathogenic for CHARGE syndrome. Last evaluated: 2024-06-19. Review status: criteria provided, single submitter. Criteria: LabCorp Variant Classification Summary - May 2015. Collection method: clinical testing. Allele origin: germline.
Comment: Variant summary: CHD7 c.3202-3T>G alters a non-conserved nucleotide located close to a canonical splice site and therefore could affect mRNA splicing, leading to a significantly altered protein sequence. Several computational tools predict a significant impact on normal splicing: Two predict the variant abolishes the canonical 3' acceptor site. However, these predictions have yet to be confirmed by functional studies. The variant was absent in 248132 control chromosomes (gnomAD). c.3202-3T>G has been reported in the literature as a de novo occurrence in an individual affected with CHARGE Syndrome (Bilan_2012). To our knowledge, no experimental evidence demonstrating an impact on protein function has been reported. The following publication has been ascertained in the context of this evaluation (PMID: 22033296). ClinVar contains an entry for this variant (Variation ID: 411184). Based on the evidence outlined above, the variant was classified as likely pathogenic.

Labcorp Genetics (formerly Invitae), Labcorp
Classification: Pathogenic for CHARGE syndrome. Last evaluated: 2016-11-30. Review status: criteria provided, single submitter. Criteria: Invitae Variant Classification Sherloc (09022015). Collection method: clinical testing. Allele origin: germline.
Comment: In summary, this is a rare intronic variant which has been observed de novo in affected individuals. For these reasons it has been classified as Pathogenic. Algorithms developed to predict the effect of sequence changes on RNA splicing suggest that this variant may alter RNA splicing, but this prediction has not been confirmed by published transcriptional studies. This variant has been shown to arise de novo in individuals affected with CHARGE syndrome (PMID: 22033296). This variant is not present in population databases (ExAC no frequency). This sequence change falls in intron 12 of the CHD7 gene. It does not directly change the encoded amino acid sequence of the CHD7 protein.

Literature cited by the submitters: PubMed 22033296 (cited by Women's Health and Genetics/Laboratory Corporation of America, LabCorp and Labcorp Genetics (formerly Invitae), Labcorp).